The following is an entry in ClinVar:

NM_001351132.2(PEX5):c.1166_1168dup (p.Ile389dup)

Gene: PEX5 (peroxisomal biogenesis factor 5; plus strand). Cytogenetic location: 12p13.31.
Variant type: Duplication.
Coding change: c.1166_1168dup on transcript NM_001351132.2 (MANE Select); coding-DNA positions 1166 to 1168, 3 bases duplicated (TCA; older notation c.1166_1168dupTCA).
Protein change: p.Ile389dup; duplicates isoleucine 389.
Molecular consequence: inframe insertion.
Genome position (GRCh38, 1-based): chr12:7,208,065-7,208,067, TCA duplicated; duplicating any 3 consecutive bases within chr12:7,208,063-7,208,067 gives the same sequence; the c. name uses the placement nearest the transcript's 3' end. VCF-style (leftmost placement, unchanged base first): chr12-7208062-C-CCAT. GRCh37 (hg19) VCF-style: chr12-7360658-C-CCAT.
Other names: c.1142_1144dup, p.Ile381dup (NM_000319.5); c.1211_1213dup, p.Ile404dup (NM_001131023.2); c.1055_1057dup, p.Ile352dup (NM_001131024.2, NM_001351124.3, NM_001351126.2 and 7 more transcripts); c.1166_1168dup, p.Ile389dup (NM_001131025.2, NM_001131026.2, NM_001300789.3 and 4 more transcripts); c.1100_1102dup, p.Ile367dup (NM_001351135.3, NM_001351138.2); c.1157_1159dup, p.Ile386dup (NM_001351136.2); c.1031_1033dup, p.Ile344dup (NM_001351139.2, NM_001351140.2, NM_001374649.2).
Identifiers: ClinVar variation 1051783 (VCV001051783.10), dbSNP rs774781585, ClinGen allele CA6426378.
Genomic context (GRCh38, chr12:7,208,062, plus strand): 5'-CCCTCTAGGCTTGGCAGTATCTGGGTACCACCCAGGCAGAGAATGAACAAGAACTATTAG[C>CCAT]CATCAGTGCATTGCGGAGGTGAGTACACTGAAAGGTGTGGGTGAGGTGCTTCCAAGGCTC-3'

ClinVar aggregate classification (germline): Uncertain significance (1 of 4 stars; one submission).

Conditions:
Peroxisome biogenesis disorder 2B (PBD2B). Identifiers: Orphanet 44, MedGen C3550234, MONDO:0008736, OMIM 202370.

Submission:

Labcorp Genetics (formerly Invitae), Labcorp
Classification: Uncertain significance for Peroxisome biogenesis disorder 2B. Last evaluated: 2022-11-03. Review status: criteria provided, single submitter. Criteria: Invitae Variant Classification Sherloc (09022015). Collection method: clinical testing. Allele origin: germline.
Comment: This variant, c.1166_1168dup, results in the insertion of 1 amino acid(s) of the PEX5 protein (p.Ile389dup), but otherwise preserves the integrity of the reading frame. This variant is present in population databases (rs774781585, gnomAD 0.007%). This variant has not been reported in the literature in individuals affected with PEX5-related conditions. ClinVar contains an entry for this variant (Variation ID: 1051783). In summary, the available evidence is currently insufficient to determine the role of this variant in disease. Therefore, it has been classified as a Variant of Uncertain Significance. Experimental studies and prediction algorithms are not available or were not evaluated, and the functional significance of this variant is currently unknown.